The following is an entry in ClinVar:

ClinVar aggregate classification (germline): Pathogenic/Likely pathogenic. Review status: no assertion criteria provided (0 of 4 stars). 2 submissions from 2 submitters: Pathogenic (1); Likely pathogenic (1). Last evaluated 2022-11-07.

Conditions:
Hyperphosphatasia with impaired intellectual development syndrome 4. Also called: Hyperphosphatasia with intellectual disability syndrome 4; GLYCOSYLPHOSPHATIDYLINOSITOL BIOSYNTHESIS DEFECT 10. Identifiers: Orphanet 247262, MedGen C3810354, MONDO:0014318, OMIM 615716.

gnomAD v4.1: 1 of 1,613,958 alleles (0.000062%); highest among the groups gnomAD compares: Non-Finnish European, 0.000085%; no homozygotes.

Submissions (2):

OMIM
Classification: Pathogenic for HYPERPHOSPHATASIA WITH IMPAIRED INTELLECTUAL DEVELOPMENT SYNDROME 4. Last evaluated: 2022-11-07. Review status: no assertion criteria provided. Collection method: literature only. Allele origin: germline.

Hacettepe Genetic Diseases Diagnosis Center, Hacettepe University Faculty of Medicine
Classification: Likely pathogenic for Hyperphosphatasia with impaired intellectual development syndrome 4. Last evaluated: 2017-04-26. Review status: no assertion criteria provided. Collection method: clinical testing. Allele origin: germline. Inheritance: Autosomal recessive inheritance. Affected: yes. Observed: 1 variant allele, 1 homozygote.
Comment: The p.Tyr169Ter (c.507C>A) variant in PGAP3 has not been reported previously. The Hyperphosphatasia with mental retardation syndrome (HPMRS) is a clinically recognizable cause of intellectual disability, particularly due to facial dysmorphisms and elevated serum alkaline phosphatase levels. Echocardiography revealed patent foramen ovale and concentric left ventricular hypertrophy. Brain magnetic resonance imaging revealed callosal dysgenesis with hippocampal minor structural anomaly. This genetic change was predicted as "Disease Causing" by MutationTaster (with the score of 1.0) due to its probable effect as a premature stop codon in the transcribed mRNA and in a truncated and probably nonfunctional protein product. Besides, this genetic change was not present in our in-house database established within â€œHacettepe Exome Projectâ€ which comprises 380 clinically unrelated Turkish individuals. In summary, the Tyr169Ter variant meets our criteria to be classified as â€œLikely pathogenicâ€.

Literature cited by the submitters: PubMed 30217754 (cited by OMIM and Hacettepe Genetic Diseases Diagnosis Center, Hacettepe University Faculty of Medicine).

NM_033419.5(PGAP3):c.507C>A (p.Tyr169Ter)

Gene: PGAP3 (post-GPI attachment to proteins phospholipase 3; minus strand). Cytogenetic location: 17q12.
Variant type: single nucleotide variant.
Coding change: c.507C>A on transcript NM_033419.5 (MANE Select); coding-DNA position 507, C replaced by A.
Protein change: p.Tyr169Ter; replaces tyrosine 169 with a stop codon.
Molecular consequence: nonsense. On other transcripts: intron variant (1).
Genome position (GRCh38, 1-based): chr17:39,674,043, G>T on the plus strand (C>A on the coding strand, the complement: PGAP3 is on the minus strand). VCF-style: chr17-39674043-G-T. GRCh37 (hg19) VCF-style: chr17-37830296-G-T.
Other names: c.354C>A, p.Tyr118Ter (NM_001291726.2); c.444C>A, p.Tyr148Ter (NM_001291728.2, NM_001291732.2); c.507C>A, p.Tyr169Ter (NM_001291730.2); c.433-1177C>A (NM_001291733.2); short protein forms Y118*, Y148*, Y169*.
Identifiers: ClinVar variation 522596 (VCV000522596.4), dbSNP rs1567871748, ClinGen allele CA399321754.